The following is an entry in ClinVar:

NM_000548.5(TSC2):c.3829T>G (p.Ser1277Ala)

Gene: TSC2 (TSC complex subunit 2; plus strand). Cytogenetic location: 16p13.3.
Variant type: single nucleotide variant.
Coding change: c.3829T>G on transcript NM_000548.5 (MANE Select); coding-DNA position 3829, T replaced by G.
Protein change: p.Ser1277Ala; replaces serine 1277 with alanine.
Molecular consequence: missense variant. On other transcripts: intron variant (6).
Genome position (GRCh38, 1-based): chr16:2,082,450, T>G. VCF-style: chr16-2082450-T-G. GRCh37 (hg19) VCF-style: chr16-2132451-T-G.
Other names: c.3097T>G, p.Ser1033Ala (NM_001318831.2); c.3697T>G, p.Ser1233Ala (NM_001370404.1); c.3700T>G, p.Ser1234Ala (NM_001370405.1, NM_021055.3); c.3814+652T>G (NM_001114382.3); c.3685+652T>G (NM_001363528.2); c.3682+652T>G (NM_001077183.3); c.3574+652T>G (NM_001318827.2); c.3538+652T>G (NM_001318829.2); and 1 more; short protein forms S1277A, S1033A, S1234A, S1233A.
Identifiers: ClinVar variation 934723 (VCV000934723.9), dbSNP rs2090259818, ClinGen allele CA394294860.

ClinVar aggregate classification (germline): Uncertain significance (1 of 4 stars; one submission).

Conditions:
Tuberous sclerosis 2 (TSC2). Identifiers: Orphanet 805, MedGen C1860707, MONDO:0013199, OMIM 613254.

Submission:

Labcorp Genetics (formerly Invitae), Labcorp
Classification: Uncertain significance for Tuberous sclerosis 2. Last evaluated: 2019-06-05. Review status: criteria provided, single submitter. Criteria: Invitae Variant Classification Sherloc (09022015). Collection method: clinical testing. Allele origin: germline.
Comment: This sequence change replaces serine with alanine at codon 1277 of the TSC2 protein (p.Ser1277Ala). The serine residue is moderately conserved and there is a moderate physicochemical difference between serine and alanine. This variant is not present in population databases (ExAC no frequency). In summary, the available evidence is currently insufficient to determine the role of this variant in disease. Therefore, it has been classified as a Variant of Uncertain Significance. Algorithms developed to predict the effect of missense changes on protein structure and function (SIFT, PolyPhen-2, Align-GVGD) all suggest that this variant is likely to be tolerated, but these predictions have not been confirmed by published functional studies and their clinical significance is uncertain. This variant has not been reported in the literature in individuals with TSC2-related conditions.